The following is an entry in ClinVar:

NM_001174150.2(ARL13B):c.781G>A (p.Ala261Thr)

Gene: ARL13B (ARF like GTPase 13B; plus strand). Cytogenetic location: 3q11.2.
Variant type: single nucleotide variant.
Coding change: c.781G>A on transcript NM_001174150.2 (MANE Select); coding-DNA position 781, G replaced by A.
Protein change: p.Ala261Thr; replaces alanine 261 with threonine.
Molecular consequence: missense variant. On other transcripts: non-coding transcript variant (2).
Genome position (GRCh38, 1-based): chr3:94,039,971, G>A. VCF-style: chr3-94039971-G-A. GRCh37 (hg19) VCF-style: chr3-93758815-G-A.
Other names: c.472G>A, p.Ala158Thr (NM_001174151.2); c.736G>A, p.Ala246Thr (NM_001321328.2); c.460G>A, p.Ala154Thr (NM_144996.4); c.781G>A, p.Ala261Thr (NM_182896.3); c.781G>A (NM_182896.2); short protein forms A246T, A261T, A154T, A158T.
Identifiers: ClinVar variation 1366755 (VCV001366755.4), dbSNP rs950077926, ClinGen allele CA78535670.

ClinVar aggregate classification (germline): Uncertain significance. Review status: criteria provided, multiple submitters, no conflicts (2 of 4 stars). 2 submissions from 2 submitters: Uncertain significance (2). Last evaluated 2025-09-25.

Conditions:
Inborn genetic diseases. Identifiers: MedGen C0950123, MeSH D030342.
Joubert syndrome 8 (JBTS8). Identifiers: Orphanet 475, MedGen C2676771, MONDO:0012855, OMIM 612291.

Allele frequency attached by ClinVar (database versions not stated): gnomAD exomes below 0.00001; TOPMed 0.00002; gnomAD 0.00003 and 0.00004.

Submissions (2):

Ambry Genetics
Classification: Uncertain significance for Inborn genetic diseases. Last evaluated: 2025-09-25. Review status: criteria provided, single submitter. Criteria: Ambry Variant Classification Scheme 2023. Collection method: clinical testing. Allele origin: germline.

Labcorp Genetics (formerly Invitae), Labcorp
Classification: Uncertain significance for Joubert syndrome 8. Last evaluated: 2022-03-19. Review status: criteria provided, single submitter. Criteria: Invitae Variant Classification Sherloc (09022015). Collection method: clinical testing. Allele origin: germline.
Comment: This sequence change replaces alanine, which is neutral and non-polar, with threonine, which is neutral and polar, at codon 261 of the ARL13B protein (p.Ala261Thr). This variant is present in population databases (no rsID available, gnomAD 0.02%). This variant has not been reported in the literature in individuals affected with ARL13B-related conditions. Algorithms developed to predict the effect of missense changes on protein structure and function output the following: SIFT: "Tolerated"; PolyPhen-2: "Benign"; Align-GVGD: "Class C0". The threonine amino acid residue is found in multiple mammalian species, which suggests that this missense change does not adversely affect protein function. In summary, the available evidence is currently insufficient to determine the role of this variant in disease. Therefore, it has been classified as a Variant of Uncertain Significance.